The following is an entry in ClinVar:

ClinVar aggregate classification (germline): Uncertain significance (1 of 4 stars; one submission).

Conditions:
Alstrom syndrome (ALMS). Identifiers: Orphanet 64, MedGen C0268425, MONDO:0008763, OMIM 203800.

Allele frequency attached by ClinVar (database versions not stated): gnomAD exomes below 0.00001.
gnomAD v4.1: 1 of 1,614,036 alleles (0.000062%); highest among the groups gnomAD compares: Non-Finnish European, 0.000085%; no homozygotes.

Submission:

New York Genome Center
Classification: Uncertain significance for Alstrom syndrome. Last evaluated: 2020-11-10. Review status: criteria provided, single submitter. Criteria: NYGC Assertion Criteria 2020. Collection method: clinical testing. Allele origin: germline. Observed: 1 variant allele.
Comment: The c.5936C>G (p.Thr1979Ser) variant identified in the ALMS1 gene substitutes a moderately conserved Threonine for Serine at amino acid 1979/4169 (exon 8/23). This variant is absent from gnomAD(v3.0) suggesting it is not a common benign variant in the populations represented in that database. In silico algorithms predict this variant to be Tolerated (SIFT; score:1.00) and Benign (REVEL; score:0.028) to the function of the canonical transcript. This variant is absent from ClinVar and to our current knowledge has not been reported in affected individuals in the literature. The p.Thr1979 residue is within repeat 31 of ALMS1 (UniProtKB:Q8TCU4). Given the lack of compelling evidence for its pathogenicity, the c.5936C>G (p.Thr1979Ser) variant identified in the ALMS1 gene is reported as a Variant of Uncertain Significance.

NM_001378454.1(ALMS1):c.5933C>G (p.Thr1978Ser)

Gene: ALMS1 (ALMS1 centrosome and basal body associated protein; plus strand). Cytogenetic location: 2p13.1.
Variant type: single nucleotide variant.
Coding change: c.5933C>G on transcript NM_001378454.1 (MANE Select); coding-DNA position 5933, C replaced by G.
Protein change: p.Thr1978Ser; replaces threonine 1978 with serine.
Molecular consequence: missense variant.
Genome position (GRCh38, 1-based): chr2:73,452,460, C>G. VCF-style: chr2-73452460-C-G. GRCh37 (hg19) VCF-style: chr2-73679587-C-G.
Other names: c.5936C>G, p.Thr1979Ser (NM_015120.4); short protein forms T1978S, T1979S.
Identifiers: ClinVar variation 1803822 (VCV001803822.1), dbSNP rs1558650648, ClinGen allele CA347283994.